The following is an entry in ClinVar:

NM_005993.5(TBCD):c.817+1G>A

Gene: TBCD (tubulin folding cofactor D). Cytogenetic location: 17q25.3.
Variant type: single nucleotide variant.
Coding change: c.817+1G>A on transcript NM_005993.5 (MANE Select); the canonical splice donor site of the intron after coding-DNA position 817, G replaced by A.
Molecular consequence: splice donor variant.
Genome position (GRCh38, 1-based): chr17:82,797,803, G>A. VCF-style: chr17-82797803-G-A. GRCh37 (hg19) VCF-style: chr17-80755679-G-A.
Other names: c.817+1G>A (NM_001411102.1); c.766+1G>A (NM_001411101.1).
Identifiers: ClinVar variation 2765107 (VCV002765107.3), dbSNP rs2510784485, ClinGen allele CA401633223.

ClinVar aggregate classification (germline): Pathogenic (1 of 4 stars; one submission).

gnomAD v4.1: 1 of 1,574,436 alleles (0.000064%); highest among the groups gnomAD compares: Non-Finnish European, 0.000086%; no homozygotes.

Submission:

Labcorp Genetics (formerly Invitae), Labcorp
Classification: Pathogenic. Last evaluated: 2023-10-04. Review status: criteria provided, single submitter. Criteria: Invitae Variant Classification Sherloc (09022015). Collection method: clinical testing. Allele origin: germline.
Comment: This sequence change affects a donor splice site in intron 8 of the TBCD gene. It is expected to disrupt RNA splicing. Variants that disrupt the donor or acceptor splice site typically lead to a loss of protein function (PMID: 16199547), and loss-of-function variants in TBCD are known to be pathogenic (PMID: 27666370, 27666374). This variant is not present in population databases (gnomAD no frequency). Disruption of this splice site has been observed in individual(s) with neurodegenerative encephalopathy (PMID: 34943336). It has also been observed to segregate with disease in related individuals. Algorithms developed to predict the effect of sequence changes on RNA splicing suggest that this variant may disrupt the consensus splice site. For these reasons, this variant has been classified as Pathogenic.

Literature cited by the submitters: PubMed 16199547; PubMed 27666370; PubMed 27666374; PubMed 34943336.